The following is an entry in ClinVar:

ClinVar aggregate classification (germline): Uncertain significance (1 of 4 stars; one submission).

gnomAD v4.1: 1 of 1,139,148 alleles (0.000088%); highest among the groups gnomAD compares: Non-Finnish European, 0.00011%; no homozygotes.

Submission:

GeneDx
Classification: Uncertain significance. Last evaluated: 2023-04-12. Review status: criteria provided, single submitter. Criteria: GeneDx Variant Classification Process June 2021. Collection method: clinical testing. Allele origin: germline. Affected: yes.
Comment: Not observed at significant frequency in large population cohorts (gnomAD); In silico analysis supports that this missense variant does not alter protein structure/function; Has not been previously published as pathogenic or benign to our knowledge

NM_005883.3(APC2):c.6157G>A (p.Gly2053Ser)

Gene: APC2 (APC regulator of WNT signaling pathway 2; plus strand). Cytogenetic location: 19p13.3.
Variant type: single nucleotide variant.
Coding change: c.6157G>A on transcript NM_005883.3 (MANE Select); coding-DNA position 6157, G replaced by A.
Protein change: p.Gly2053Ser; replaces glycine 2053 with serine.
Molecular consequence: missense variant.
Genome position (GRCh38, 1-based): chr19:1,469,458, G>A. VCF-style: chr19-1469458-G-A. GRCh37 (hg19) VCF-style: chr19-1469457-G-A.
Other names: c.6154G>A, p.Gly2052Ser (NM_001351273.1); short protein forms G2052S, G2053S.
Identifiers: ClinVar variation 3343043 (VCV003343043.1).